The following is an entry in ClinVar:

NM_018489.3(ASH1L):c.1375A>G (p.Ser459Gly)

Gene: ASH1L (ASH1 like histone lysine methyltransferase; minus strand). Cytogenetic location: 1q22.
Variant type: single nucleotide variant.
Coding change: c.1375A>G on transcript NM_018489.3 (MANE Select); coding-DNA position 1375, A replaced by G.
Protein change: p.Ser459Gly; replaces serine 459 with glycine.
Molecular consequence: missense variant.
Genome position (GRCh38, 1-based): chr1:155,481,495, T>C on the plus strand (A>G on the coding strand, the complement: ASH1L is on the minus strand). VCF-style: chr1-155481495-T-C. GRCh37 (hg19) VCF-style: chr1-155451286-T-C.
Other names: c.1375A>G, p.Ser459Gly (NM_001366177.2); short protein forms S459G.
Identifiers: ClinVar variation 5020326 (VCV005020326.1).

ClinVar aggregate classification (germline): Uncertain significance (1 of 4 stars; one submission).

gnomAD v4.1: 1 of 1,614,182 alleles (0.000062%); highest among the groups gnomAD compares: Non-Finnish European, 0.000085%; no homozygotes.

Submission:

Dasa
Classification: Uncertain significance. Last evaluated: 2026-06-22. Review status: criteria provided, single submitter. Criteria: DASA Assertion Criteria. Collection method: clinical testing. Allele origin: germline.
Comment: NM_018489.3(ASH1L):c.1375A>G (p.Ser459Gly) is a missense variant that results in the substitution of serine with glycine. This variant is rare in population databases. The currently available literature and clinical evidence are not sufficient to establish a definitive association between this variant and the reported condition. Therefore, this variant is classified as a variant of uncertain significance.